The following is an entry in ClinVar:

NM_002528.7(NTHL1):c.216_217delinsTT (p.Glu72_Pro73delinsAspSer)

Gene: NTHL1 (nth like DNA glycosylase 1; minus strand). Cytogenetic location: 16p13.3.
Variant type: Indel.
Coding change: c.216_217delinsTT on transcript NM_002528.7 (MANE Select); coding-DNA positions 216 to 217, GC replaced by TT.
Protein change: p.Glu72_Pro73delinsAspSer.
Molecular consequence: missense variant. On other transcripts: intron variant (1).
Genome position (GRCh38, 1-based): chr16:2,046,265-2,046,266, GC replaced by AA on the plus strand (GC replaced by TT on the coding strand, the reverse complement: NTHL1 is on the minus strand). VCF-style: chr16-2046265-GC-AA. GRCh37 (hg19) VCF-style: chr16-2096266-GC-AA.
Other names: c.216_217delinsTT, p.Glu72_Pro73delinsAspSer (NM_001318193.2); c.24+14_24+15delinsTT (NM_001318194.2).
Identifiers: ClinVar variation 2586103 (VCV002586103.2), dbSNP rs2548320588, ClinGen allele CA2582342637.

ClinVar aggregate classification (germline): Uncertain significance (1 of 4 stars; one submission).

Conditions:
Hereditary cancer-predisposing syndrome. Also called: Hereditary neoplastic syndrome; Tumor predisposition; Hereditary Cancer Syndrome; Neoplastic Syndromes, Hereditary. Identifiers: Orphanet 140162, MedGen C0027672, MeSH D009386, MONDO:0015356.

Submission:

Ambry Genetics
Classification: Uncertain significance for Hereditary cancer-predisposing syndrome. Last evaluated: 2023-09-05. Review status: criteria provided, single submitter. Criteria: Ambry Variant Classification Scheme 2023. Collection method: clinical testing. Allele origin: germline.
Comment: The c.240_241delGCinsTT variant, located in coding exon 2 of the NTHL1 gene, results from an in-frame deletion of GC and insertion of TT at nucleotide positions 240 to 241. This results in the substitution of the glutamic acid and proline residues for aspartic acid and serine residues at codons 80 and 81. This amino acid region is not well conserved in available vertebrate species. Since supporting evidence is limited at this time, the clinical significance of this alteration remains unclear.